The following is an entry in ClinVar:

NM_001374736.1(DST):c.16363A>T (p.Thr5455Ser)

Gene: DST (dystonin; minus strand). Cytogenetic location: 6p12.1.
Variant type: single nucleotide variant.
Coding change: c.16363A>T on transcript NM_001374736.1 (MANE Select); coding-DNA position 16363, A replaced by T.
Protein change: p.Thr5455Ser; replaces threonine 5455 with serine.
Molecular consequence: missense variant.
Genome position (GRCh38, 1-based): chr6:56,552,429, T>A on the plus strand (A>T on the coding strand, the complement: DST is on the minus strand). VCF-style: chr6-56552429-T-A. GRCh37 (hg19) VCF-style: chr6-56417227-T-A.
Other names: c.10006A>T, p.Thr3336Ser (NM_001144769.5); c.9592A>T, p.Thr3198Ser (NM_001144770.2); c.16363A>T, p.Thr5455Ser (NM_001374722.1); c.15730A>T, p.Thr5244Ser (NM_001374729.1); c.9472A>T, p.Thr3158Ser (NM_001374730.1, NM_183380.4); c.16390A>T, p.Thr5464Ser (NM_001374734.1); c.8494A>T, p.Thr2832Ser (NM_015548.5); short protein forms T3158S, T3198S, T5244S, T5464S, T3336S, T5455S, T2832S.
Identifiers: ClinVar variation 967608 (VCV000967608.6), dbSNP rs1348429203, ClinGen allele CA364513767.

ClinVar aggregate classification (germline): Uncertain significance (1 of 4 stars; one submission).

Conditions:
Hereditary sensory and autonomic neuropathy type 6. Also called: Neuropathy, hereditary sensory and autonomic, type VI; HSAN VI. Identifiers: Orphanet 314381, MedGen C3539003, MONDO:0013839, OMIM 614653.
Epidermolysis bullosa simplex 3, localized or generalized intermediate, with BP230 deficiency (EBS3). Also called: Epidermolysis bullosa simplex, autosomal recessive 2; Epidermolysis bullosa simplex due to BP230 deficiency. Identifiers: Orphanet 412181, MedGen C3809470, MONDO:0014180, OMIM 615425.

Allele frequency attached by ClinVar (database versions not stated): gnomAD exomes below 0.00001.
gnomAD v4.1: 1 of 1,613,894 alleles (0.000062%); highest among the groups gnomAD compares: African/African-American, 0.0013%; no homozygotes.

Submission:

Labcorp Genetics (formerly Invitae), Labcorp
Classification: Uncertain significance for Epidermolysis bullosa simplex 3, localized or generalized intermediate, with BP230 deficiency; Hereditary sensory and autonomic neuropathy type 6. Last evaluated: 2019-12-13. Review status: criteria provided, single submitter. Criteria: Invitae Variant Classification Sherloc (09022015). Collection method: clinical testing. Allele origin: germline.
Comment: In summary, the available evidence is currently insufficient to determine the role of this variant in disease. Therefore, it has been classified as a Variant of Uncertain Significance. Algorithms developed to predict the effect of missense changes on protein structure and function are either unavailable or do not agree on the potential impact of this missense change (SIFT: "Tolerated"; PolyPhen-2: "Not Available"; Align-GVGD: "Class C0"). This variant has not been reported in the literature in individuals with DST-related conditions. This variant is not present in population databases (ExAC no frequency). This sequence change replaces threonine with serine at codon 2832 of the DST protein (p.Thr2832Ser). The threonine residue is weakly conserved and there is a small physicochemical difference between the two amino acids. The DST gene has multiple clinically relevant transcripts. This variant occurs in alternate transcript NM_015548.4, and corresponds to NM_001723.5:c.*63088A>T in the primary transcript.